The following is an entry in ClinVar:

ClinVar aggregate classification (germline): Uncertain significance (1 of 4 stars; one submission).

Conditions:
PHGDH deficiency. Identifiers: Orphanet 79351, MedGen C1866174, MONDO:0011152, OMIM 601815.

Allele frequency attached by ClinVar (database versions not stated): gnomAD exomes below 0.00001; ExAC 0.00001.
gnomAD v4.1: 1 of 1,593,652 alleles (0.000063%); highest among the groups gnomAD compares: Non-Finnish European, 0.000086%; no homozygotes.

Submission:

Labcorp Genetics (formerly Invitae), Labcorp
Classification: Uncertain significance for PHGDH deficiency. Last evaluated: 2024-10-23. Review status: criteria provided, single submitter. Criteria: Invitae Variant Classification Sherloc (09022015). Collection method: clinical testing. Allele origin: germline.
Comment: This sequence change replaces phenylalanine, which is neutral and non-polar, with serine, which is neutral and polar, at codon 167 of the PHGDH protein (p.Phe167Ser). This variant is present in population databases (rs768939904, gnomAD 0.0009%). This variant has not been reported in the literature in individuals affected with PHGDH-related conditions. ClinVar contains an entry for this variant (Variation ID: 2073952). Invitae Evidence Modeling of protein sequence and biophysical properties (such as structural, functional, and spatial information, amino acid conservation, physicochemical variation, residue mobility, and thermodynamic stability) has been performed for this missense variant. However, the output from this modeling did not meet the statistical confidence thresholds required to predict the impact of this variant on PHGDH protein function. In summary, the available evidence is currently insufficient to determine the role of this variant in disease. Therefore, it has been classified as a Variant of Uncertain Significance.

NM_006623.4(PHGDH):c.500T>C (p.Phe167Ser)

Gene: PHGDH (phosphoglycerate dehydrogenase; plus strand). Cytogenetic location: 1p12.
Variant type: single nucleotide variant.
Coding change: c.500T>C on transcript NM_006623.4 (MANE Select); coding-DNA position 500, T replaced by C.
Protein change: p.Phe167Ser; replaces phenylalanine 167 with serine.
Molecular consequence: missense variant.
Genome position (GRCh38, 1-based): chr1:119,727,092, T>C. VCF-style: chr1-119727092-T-C. GRCh37 (hg19) VCF-style: chr1-120269715-T-C.
Other names: short protein forms F167S.
Identifiers: ClinVar variation 2073952 (VCV002073952.3), dbSNP rs768939904, ClinGen allele CA1037116.